The following is an entry in ClinVar:

ClinVar aggregate classification (germline): Uncertain significance (1 of 4 stars; one submission).

Conditions:
Nephronophthisis. Also called: Juvenile Nephronophthisis. Identifiers: Orphanet 655, MedGen C0687120, MONDO:0019005, HP:0000090.

Allele frequency attached by ClinVar (database versions not stated): gnomAD exomes below 0.00001.
gnomAD v4.1: 1 of 1,613,932 alleles (0.000062%); highest among the groups gnomAD compares: Non-Finnish European, 0.000085%; no homozygotes.

Submission:

Labcorp Genetics (formerly Invitae), Labcorp
Classification: Uncertain significance for Nephronophthisis. Last evaluated: 2022-08-07. Review status: criteria provided, single submitter. Criteria: Invitae Variant Classification Sherloc (09022015). Collection method: clinical testing. Allele origin: germline.
Comment: This variant is not present in population databases (gnomAD no frequency). This sequence change replaces proline, which is neutral and non-polar, with arginine, which is basic and polar, at codon 24 of the NPHP4 protein (p.Pro24Arg). This variant has not been reported in the literature in individuals affected with NPHP4-related conditions. Algorithms developed to predict the effect of missense changes on protein structure and function (SIFT, PolyPhen-2, Align-GVGD) all suggest that this variant is likely to be tolerated. In summary, the available evidence is currently insufficient to determine the role of this variant in disease. Therefore, it has been classified as a Variant of Uncertain Significance.

NM_015102.5(NPHP4):c.71C>G (p.Pro24Arg)

Gene: NPHP4 (nephrocystin 4; minus strand). Cytogenetic location: 1p36.31.
Variant type: single nucleotide variant.
Coding change: c.71C>G on transcript NM_015102.5 (MANE Select); coding-DNA position 71, C replaced by G.
Protein change: p.Pro24Arg; replaces proline 24 with arginine.
Molecular consequence: missense variant. On other transcripts: 5 prime UTR variant (1), non-coding transcript variant (1), intron variant (1).
Genome position (GRCh38, 1-based): chr1:5,986,219, G>C on the plus strand (C>G on the coding strand, the complement: NPHP4 is on the minus strand). VCF-style: chr1-5986219-G-C. GRCh37 (hg19) VCF-style: chr1-6046279-G-C.
Other names: c.-1159C>G (NM_001291593.2); c.-1088+6025C>G (NM_001291594.2); short protein forms P24R.
Identifiers: ClinVar variation 1715490 (VCV001715490.5), dbSNP rs2524174102, ClinGen allele CA338055103.